The following is an entry in ClinVar:

ClinVar aggregate classification (germline): Pathogenic (1 of 4 stars; one submission).

Conditions:
Intellectual developmental disorder, autosomal dominant 57. Also called: MENTAL RETARDATION, AUTOSOMAL DOMINANT 57; Intellectual disability, autosomal dominant 57. Identifiers: MedGen C4748003, MONDO:0054837, OMIM 618050.

Submission:

Institute of Human Genetics, University of Leipzig Medical Center
Classification: Pathogenic for Intellectual developmental disorder, autosomal dominant 57. Last evaluated: 2024-12-10. Review status: criteria provided, single submitter. Criteria: ACMG Guidelines, 2015. Collection method: clinical testing. Allele origin: unknown. Inheritance: Autosomal dominant inheritance. Affected: yes.
Comment: Criteria applied: PVS1,PM2

NM_006852.6(TLK2):c.1865del (p.Leu622fs)

Gene: TLK2 (tousled like kinase 2; plus strand). Cytogenetic location: 17q23.2.
Variant type: Deletion.
Coding change: c.1865del on transcript NM_006852.6 (MANE Select); coding-DNA position 1865, one base deleted (T; older notation c.1865delT).
Protein change: p.Leu622fs; shifts the reading frame from leucine 622.
Molecular consequence: frameshift variant.
Genome position (GRCh38, 1-based): chr17:62,606,135, T deleted; the last of 3 consecutive T bases (chr17:62,606,133-62,606,135); deleting any one gives the same sequence. VCF-style (leftmost placement, unchanged base first): chr17-62606132-AT-A. GRCh37 (hg19) VCF-style: chr17-60683493-AT-A.
Other names: c.1931del, p.Leu644fs (NM_001284333.3); c.1769del, p.Leu590fs (NM_001284363.1, NM_001375272.1); c.1418del, p.Leu473fs (NM_001330418.3, NM_001375273.1); c.1907del, p.Leu636fs (NM_001375269.1); c.1865del, p.Leu622fs (NM_001375270.1, NM_001375271.1); c.1580del, p.Leu527fs (NM_001411074.1); short protein forms L473fs, L527fs, L590fs, L622fs, L636fs, L644fs.
Identifiers: ClinVar variation 3572904 (VCV003572904.2).